The following is an entry in ClinVar:

ClinVar aggregate classification (germline): Uncertain significance (1 of 4 stars; one submission).

Conditions:
Spinocerebellar ataxia type 5 (SCA5). Identifiers: Orphanet 98766, MedGen C0752123, MONDO:0010848, OMIM 600224.

gnomAD v4.1: 1 of 1,610,730 alleles (0.000062%); highest among the groups gnomAD compares: Non-Finnish European, 0.000085%; no homozygotes.

Submission:

Baylor Genetics
Classification: Uncertain significance for Spinocerebellar ataxia type 5. Last evaluated: 2020-06-09. Review status: criteria provided, single submitter. Criteria: ACMG Guidelines, 2015. Collection method: clinical testing. Allele origin: unknown. Affected: yes.
Comment: This variant was determined to be of uncertain significance according to ACMG Guidelines, 2015 [PMID:25741868].

NM_006946.4(SPTBN2):c.1549C>G (p.Arg517Gly)

Gene: SPTBN2 (spectrin beta, non-erythrocytic 2; minus strand). Cytogenetic location: 11q13.2.
Variant type: single nucleotide variant.
Coding change: c.1549C>G on transcript NM_006946.4 (MANE Select); coding-DNA position 1549, C replaced by G.
Protein change: p.Arg517Gly; replaces arginine 517 with glycine.
Molecular consequence: missense variant.
Genome position (GRCh38, 1-based): chr11:66,707,620, G>C on the plus strand (C>G on the coding strand, the complement: SPTBN2 is on the minus strand). VCF-style: chr11-66707620-G-C. GRCh37 (hg19) VCF-style: chr11-66475091-G-C.
Other names: short protein forms R517G.
Identifiers: ClinVar variation 1027699 (VCV001027699.1), dbSNP rs371919862, ClinGen allele CA381480353.